The following is an entry in ClinVar:

NM_000271.5(NPC1):c.2781G>A (p.Ala927=)

Gene: NPC1 (NPC intracellular cholesterol transporter 1; minus strand). Cytogenetic location: 18q11.2.
Variant type: single nucleotide variant.
Coding change: c.2781G>A on transcript NM_000271.5 (MANE Select); coding-DNA position 2781, G replaced by A.
Protein change: p.Ala927=; no amino-acid change (alanine 927 retained).
Molecular consequence: synonymous variant.
Genome position (GRCh38, 1-based): chr18:23,539,825, C>T on the plus strand (G>A on the coding strand, the complement: NPC1 is on the minus strand). VCF-style: chr18-23539825-C-T. GRCh37 (hg19) VCF-style: chr18-21119789-C-T.
Identifiers: ClinVar variation 795311 (VCV000795311.11), dbSNP rs766328496, ClinGen allele CA8912978.

ClinVar aggregate classification (germline): Likely benign. Review status: criteria provided, multiple submitters, no conflicts (2 of 4 stars). 2 submissions from 2 submitters: Likely benign (2). Last evaluated 2026-08-10.

Conditions:
NPC1-related disorder. Also called: NPC1-related condition.
Niemann-Pick disease, type C1. Also called: NIEMANN-PICK DISEASE, VARIANT TYPE C1; NEUROVISCERAL STORAGE DISEASE WITH VERTICAL SUPRANUCLEAR OPHTHALMOPLEGIA; NIEMANN-PICK DISEASE WITH CHOLESTEROL ESTERIFICATION BLOCK; NIEMANN-PICK DISEASE WITHOUT SPHINGOMYELINASE DEFICIENCY; NIEMANN-PICK DISEASE, CHRONIC NEURONOPATHIC FORM. Identifiers: Orphanet 646, MedGen C3179455, MONDO:0009757, OMIM 257220.

Allele frequency attached by ClinVar (database versions not stated): gnomAD 0.00001; ExAC 0.00002; gnomAD exomes 0.00002.
gnomAD v4.1: 33 of 1,614,050 alleles (0.002%); highest among the groups gnomAD compares: South Asian, 0.0044%; no homozygotes.

Submissions (2):

PreventionGenetics, part of Exact Sciences
Classification: Likely benign for NPC1-related condition. Last evaluated: 2026-08-10. Review status: criteria provided, single submitter. Criteria: ACMG Guidelines, 2015. Collection method: clinical testing. Allele origin: germline.
Comment: This variant is classified as likely benign based on ACMG/AMP sequence variant interpretation guidelines (Richards et al. 2015 PMID: 25741868, with internal and published modifications).

Labcorp Genetics (formerly Invitae), Labcorp
Classification: Likely benign for Niemann-Pick disease, type C1. Last evaluated: 2024-01-02. Review status: criteria provided, single submitter. Criteria: Invitae Variant Classification Sherloc (09022015). Collection method: clinical testing. Allele origin: germline.